The following is an entry in ClinVar:

ClinVar aggregate classification (germline): Uncertain significance (1 of 4 stars; one submission).

Allele frequency attached by ClinVar (database versions not stated): gnomAD 0.00001; TOPMed 0.00001; gnomAD exomes below 0.00001.
gnomAD v4.1: 3 of 1,609,948 alleles (0.00019%); highest among the groups gnomAD compares: Non-Finnish European, 0.00025%; no homozygotes.

Submission:

GeneDx
Classification: Uncertain significance. Last evaluated: 2014-08-27. Review status: criteria provided, single submitter. Criteria: GeneDx Variant Classification (06012015). Collection method: clinical testing. Allele origin: germline. Affected: yes.
Comment: Missense variants in the TTN gene are considered 'unclassified' if they are not previously reported in the literature and do not have >1% frequency in the population to be considered a polymorphism. Research indicates that truncating mutations in the TTN gene are expected to account for approximately 25% of familial and 18% of sporadic idiopathic DCM; however, truncating variants in the TTN gene have been reported in approximately 3% of reported control alleles. There has been little investigation into non-truncating variants. (Herman D et al. Truncations of titin causing dilated cardiomyopathy. N Eng J Med 366:619-628, 2012) The variant is found in DCM-CRDM panel(s).

NM_001267550.2(TTN):c.99896T>C (p.Val33299Ala)

Genes: TTN (titin; minus strand), TTN-AS1 (TTN antisense RNA 1; plus strand), LOC126806420 (BRD4-independent group 4 enhancer GRCh37_chr2:179401104-179402303; plus strand). Cytogenetic location: 2q31.2.
Variant type: single nucleotide variant.
Coding change: c.99896T>C on transcript NM_001267550.2 (MANE Select); coding-DNA position 99896, T replaced by C.
Protein change: p.Val33299Ala; replaces valine 33299 with alanine.
Molecular consequence: missense variant.
Genome position (GRCh38, 1-based): chr2:178,537,213, A>G on the plus strand (T>C on the coding strand, the complement: TTN is on the minus strand). VCF-style: chr2-178537213-A-G. GRCh37 (hg19) VCF-style: chr2-179401940-A-G.
Other names: p.V31658A:GTG>GCG; c.94973T>C, p.Val31658Ala (NM_001256850.1); c.72701T>C, p.Val24234Ala (NM_003319.4); c.92192T>C, p.Val30731Ala (NM_133378.4); c.73076T>C, p.Val24359Ala (NM_133432.3); c.73277T>C, p.Val24426Ala (NM_133437.4); short protein forms V31658A, V33299A, V24426A, V30731A, V24359A, V24234A.
Identifiers: ClinVar variation 203050 (VCV000203050.2), dbSNP rs794729554, ClinGen allele CA311088.